The following is an entry in ClinVar:

ClinVar aggregate classification (germline): Uncertain significance. Review status: criteria provided, single submitter (1 of 4 stars). 2 submissions from 2 submitters: Uncertain significance (1). 1 of the submissions does not count toward it. Last evaluated 2016-05-13.

Conditions:
LFNG-related disorder. Also called: LFNG-related condition.

Allele frequency attached by ClinVar (database versions not stated): TOPMed below 0.00001; gnomAD exomes 0.00002; ExAC 0.00003.

Submissions (2):

Eurofins Ntd Llc (ga)
Classification: Uncertain significance. Last evaluated: 2016-05-13. Review status: criteria provided, single submitter. Criteria: EGL Classification Definitions 2015. Collection method: clinical testing. Allele origin: germline. Observed: 1 variant allele, 1 heterozygote.

PreventionGenetics, part of Exact Sciences
Classification: Likely benign for LFNG-related condition. Last evaluated: 2019-04-30. Review status: no assertion criteria provided. Collection method: clinical testing. Allele origin: germline. Not counted in ClinVar's aggregate classification.
Comment: This variant is classified as likely benign based on ACMG/AMP sequence variant interpretation guidelines (Richards et al. 2015 PMID: 25741868, with internal and published modifications).

NM_001040167.2(LFNG):c.774C>T (p.Gly258=)

Gene: LFNG (LFNG O-fucosylpeptide 3-beta-N-acetylglucosaminyltransferase; plus strand). Cytogenetic location: 7p22.3.
Variant type: single nucleotide variant.
Coding change: c.774C>T on transcript NM_001040167.2 (MANE Select); coding-DNA position 774, C replaced by T.
Protein change: p.Gly258=; no amino-acid change (glycine 258 retained).
Molecular consequence: synonymous variant.
Genome position (GRCh38, 1-based): chr7:2,525,723, C>T. VCF-style: chr7-2525723-C-T. GRCh37 (hg19) VCF-style: chr7-2565357-C-T.
Other names: c.774C>T, p.Gly258= (NM_001040168.2); c.561C>T, p.Gly187= (NM_001166355.2); c.387C>T, p.Gly129= (NM_002304.3); c.774C>T (NM_001040167.1).
Identifiers: ClinVar variation 287728 (VCV000287728.7), dbSNP rs770507072, ClinGen allele CA4127128.